The following is an entry in ClinVar:

ClinVar aggregate classification (germline): Uncertain significance. Review status: criteria provided, multiple submitters, no conflicts (2 of 4 stars). 2 submissions from 2 submitters: Uncertain significance (2). Last evaluated 2025-08-12.

Conditions:
Hypopigmentation, organomegaly, and delayed myelination and development. Identifiers: MedGen C5203300, MONDO:0032805, OMIM 618541.

Allele frequency attached by ClinVar (database versions not stated): TOPMed below 0.00001; gnomAD 0.00001; gnomAD exomes 0.00016; ExAC 0.00049.

Submissions (2):

Labcorp Genetics (formerly Invitae), Labcorp
Classification: Uncertain significance. Last evaluated: 2025-08-12. Review status: criteria provided, single submitter. Criteria: Invitae Variant Classification Sherloc (09022015). Collection method: clinical testing. Allele origin: germline.
Comment: This sequence change replaces valine, which is neutral and non-polar, with methionine, which is neutral and non-polar, at codon 692 of the CLCN7 protein (p.Val692Met). This variant is present in population databases (rs781763863, gnomAD 0.1%). This variant has not been reported in the literature in individuals affected with CLCN7-related conditions. ClinVar contains an entry for this variant (Variation ID: 1341883). An algorithm developed to predict the effect of missense changes on protein structure and function (PolyPhen-2) suggests that this variant is likely to be tolerated. In summary, the available evidence is currently insufficient to determine the role of this variant in disease. Therefore, it has been classified as a Variant of Uncertain Significance.

New York Genome Center
Classification: Uncertain significance for Hypopigmentation, organomegaly, and delayed myelination and development. Last evaluated: 2021-03-17. Review status: criteria provided, single submitter. Criteria: NYGC Assertion Criteria 2020. Collection method: clinical testing. Allele origin: inherited. Observed: 1 heterozygote. Study: CSER-NYCKidSeq.

NM_001287.6(CLCN7):c.2074G>A (p.Val692Met)

Gene: CLCN7 (chloride voltage-gated channel 7; minus strand). Cytogenetic location: 16p13.3.
Variant type: single nucleotide variant.
Coding change: c.2074G>A on transcript NM_001287.6 (MANE Select); coding-DNA position 2074, G replaced by A.
Protein change: p.Val692Met; replaces valine 692 with methionine.
Molecular consequence: missense variant.
Genome position (GRCh38, 1-based): chr16:1,447,568, C>T on the plus strand (G>A on the coding strand, the complement: CLCN7 is on the minus strand). VCF-style: chr16-1447568-C-T. GRCh37 (hg19) VCF-style: chr16-1497569-C-T.
Other names: c.2002G>A, p.Val668Met (NM_001114331.3); short protein forms V668M, V692M.
Identifiers: ClinVar variation 1341883 (VCV001341883.6), dbSNP rs781763863, ClinGen allele CA7809915.